The following is an entry in ClinVar:

ClinVar aggregate classification (germline): Uncertain significance. Review status: criteria provided, multiple submitters, no conflicts (2 of 4 stars). 2 submissions from 2 submitters: Uncertain significance (2). Last evaluated 2025-07-16.

Allele frequency attached by ClinVar (database versions not stated): ExAC 0.00007; gnomAD 0.00010; gnomAD exomes 0.00013; ESP Exome Variant Server 0.00015; 1000 Genomes Project 30x 0.00016; 1000 Genomes Project 0.00020.
gnomAD v4.1: 203 of 1,612,310 alleles (0.013%); highest among the groups gnomAD compares: Admixed American, 0.017%; no homozygotes.

Submissions (2):

Labcorp Genetics (formerly Invitae), Labcorp
Classification: Uncertain significance. Last evaluated: 2025-07-16. Review status: criteria provided, single submitter. Criteria: Invitae Variant Classification Sherloc (09022015). Collection method: clinical testing. Allele origin: germline.
Comment: This sequence change replaces glycine, which is neutral and non-polar, with arginine, which is basic and polar, at codon 1370 of the TNS2 protein (p.Gly1370Arg). This variant is present in population databases (rs200281613, gnomAD 0.01%). This variant has not been reported in the literature in individuals affected with TNS2-related conditions. ClinVar contains an entry for this variant (Variation ID: 2591039). An algorithm developed to predict the effect of missense changes on protein structure and function (PolyPhen-2) suggests that this variant is likely to be tolerated. In summary, the available evidence is currently insufficient to determine the role of this variant in disease. Therefore, it has been classified as a Variant of Uncertain Significance.

Ambry Genetics
Classification: Uncertain significance. Last evaluated: 2023-07-12. Review status: criteria provided, single submitter. Criteria: Ambry Variant Classification Scheme 2023. Collection method: clinical testing. Allele origin: germline.

NM_170754.4(TNS2):c.4078G>A (p.Gly1360Arg)

Gene: TNS2 (tensin 2; plus strand). Cytogenetic location: 12q13.13.
Variant type: single nucleotide variant.
Coding change: c.4078G>A on transcript NM_170754.4 (MANE Select); coding-DNA position 4078, G replaced by A.
Protein change: p.Gly1360Arg; replaces glycine 1360 with arginine.
Molecular consequence: missense variant.
Genome position (GRCh38, 1-based): chr12:53,063,579, G>A. VCF-style: chr12-53063579-G-A. GRCh37 (hg19) VCF-style: chr12-53457363-G-A.
Other names: c.4078G>A, p.Gly1360Arg (NM_001416202.1); c.4036G>A, p.Gly1346Arg (NM_001416203.1); c.4105G>A, p.Gly1369Arg (NM_001416204.1); c.4009G>A, p.Gly1337Arg (NM_015319.3); c.3706G>A, p.Gly1236Arg (NM_198316.2); short protein forms G1360R, G1369R, G1337R, G1236R, G1346R.
Identifiers: ClinVar variation 2591039 (VCV002591039.3), dbSNP rs200281613, ClinGen allele CA6593086.
Genomic context (GRCh38, chr12:53,063,579, plus strand): 5'-CTGTCCCCTGGGGTGTGCATCTTCACCTTCTTCTCCTTCTGCAGATGGACCAACCCAGAC[G>A]GGACCACCTCCAAGTAAGCCTCCCCACGAATTCAGCCTCTTCCTTCCAAGGGACCAGGGC-3'
Protein context (NP_736610.2, residues 1350-1370): PQDRRWTNPD[Gly1360Arg]TTSKIFGFVA